The following is an entry in ClinVar:

ClinVar aggregate classification (germline): Uncertain significance. Review status: criteria provided, multiple submitters, no conflicts (2 of 4 stars). 2 submissions from 2 submitters: Uncertain significance (2). Last evaluated 2025-04-23.

Allele frequency attached by ClinVar (database versions not stated): gnomAD exomes below 0.00001; TOPMed below 0.00001; ExAC 0.00001; gnomAD 0.00001.

Submissions (2):

GeneDx
Classification: Uncertain significance. Last evaluated: 2025-04-23. Review status: criteria provided, single submitter. Criteria: GeneDx Variant Classification Process June 2021. Collection method: clinical testing. Allele origin: germline. Affected: yes.
Comment: Not observed at significant frequency in large population cohorts (gnomAD); In silico analysis indicates that this missense variant does not alter protein structure/function; Has not been previously published as pathogenic or benign to our knowledge

Labcorp Genetics (formerly Invitae), Labcorp
Classification: Uncertain significance. Last evaluated: 2023-10-30. Review status: criteria provided, single submitter. Criteria: Invitae Variant Classification Sherloc (09022015). Collection method: clinical testing. Allele origin: germline.
Comment: This sequence change replaces methionine, which is neutral and non-polar, with valine, which is neutral and non-polar, at codon 1213 of the MAP1B protein (p.Met1213Val). This variant is present in population databases (rs775672347, gnomAD 0.0009%). This variant has not been reported in the literature in individuals affected with MAP1B-related conditions. An algorithm developed to predict the effect of missense changes on protein structure and function (PolyPhen-2) suggests that this variant is likely to be tolerated. In summary, the available evidence is currently insufficient to determine the role of this variant in disease. Therefore, it has been classified as a Variant of Uncertain Significance.

NM_005909.5(MAP1B):c.3637A>G (p.Met1213Val)

Gene: MAP1B (microtubule associated protein 1B; plus strand). Cytogenetic location: 5q13.2.
Variant type: single nucleotide variant.
Coding change: c.3637A>G on transcript NM_005909.5 (MANE Select); coding-DNA position 3637, A replaced by G.
Protein change: p.Met1213Val; replaces methionine 1213 with valine.
Molecular consequence: missense variant.
Genome position (GRCh38, 1-based): chr5:72,196,992, A>G. VCF-style: chr5-72196992-A-G. GRCh37 (hg19) VCF-style: chr5-71492819-A-G.
Other names: c.3637A>G (NM_005909.3); c.3259A>G, p.Met1087Val (NM_001324255.2); short protein forms M1087V, M1213V.
Identifiers: ClinVar variation 2773054 (VCV002773054.4), dbSNP rs775672347, ClinGen allele CA3299015.